The following is an entry in ClinVar:

ClinVar aggregate classification (germline): Likely pathogenic (1 of 4 stars; one submission).

Conditions:
Osteogenesis imperfecta (OI). Identifiers: Orphanet 666, MedGen C0029434, MeSH D010013, MONDO:0019019.

Submission:

Genetics Department, Polish Mother's Memorial Hospital Research Institute
Classification: Likely pathogenic for Osteogenesis imperfecta. Last evaluated: 2020-04-06. Review status: criteria provided, single submitter. Criteria: ACMG Guidelines, 2015. Collection method: research. Allele origin: unknown. Affected: yes. Observed: 1 variant allele.
Comment: We have reported heterozygous deletion ranging from intron 6 to exon 12 using MLPA technique. Patient's parents were not available for clinical testing.

NC_000007.14:g.(?_94402140)_(94406279_?)del

Gene: COL1A2 (collagen type I alpha 2 chain; plus strand). Cytogenetic location: 7q21.3.
Variant type: Deletion.
Identifiers: ClinVar variation 870115 (VCV000870115.2).